The following is an entry in ClinVar:

NM_031407.7(HUWE1):c.8732C>T (p.Ala2911Val)

Gene: HUWE1 (HECT, UBA and WWE domain containing E3 ubiquitin protein ligase 1; minus strand). Cytogenetic location: Xp11.22.
Variant type: single nucleotide variant.
Coding change: c.8732C>T on transcript NM_031407.7 (MANE Select); coding-DNA position 8732, C replaced by T.
Protein change: p.Ala2911Val; replaces alanine 2911 with valine.
Molecular consequence: missense variant.
Genome position (GRCh38, 1-based): chrX:53,552,656, G>A on the plus strand (C>T on the coding strand, the complement: HUWE1 is on the minus strand). VCF-style: chrX-53552656-G-A. GRCh37 (hg19) VCF-style: chrX-53579617-G-A.
Other names: short protein forms A2911V.
Identifiers: ClinVar variation 4056780 (VCV004056780.1).

ClinVar aggregate classification (germline): Uncertain significance (1 of 4 stars; one submission).

Conditions:
Intellectual developmental disorder, X-linked, syndromic, Turner type. Also called: X-linked intellectual disability, Turner type; Intellectual disability, X-linked syndromic, Turner type. Identifiers: Orphanet 3056, Orphanet 85328, MedGen C2678046, MONDO:0010407, OMIM 309590.

Submission:

Laboratorio de Genetica e Diagnostico Molecular, Hospital Israelita Albert Einstein
Classification: Uncertain significance for Intellectual developmental disorder, X-linked, syndromic, Turner type. Last evaluated: 2023-06-22. Review status: criteria provided, single submitter. Criteria: ACMG Guidelines, 2015. Collection method: clinical testing. Allele origin: germline. Affected: yes.
Comment: ACMG classification criteria: PM2 moderate, PP2 supporting, BP4 supporting